The following is an entry in ClinVar:

NM_000102.4(CYP17A1):c.564C>A (p.Tyr188Ter)

Gene: CYP17A1 (cytochrome P450 family 17 subfamily A member 1; minus strand). Cytogenetic location: 10q24.32.
Variant type: single nucleotide variant.
Coding change: c.564C>A on transcript NM_000102.4 (MANE Select); coding-DNA position 564, C replaced by A.
Protein change: p.Tyr188Ter; replaces tyrosine 188 with a stop codon.
Molecular consequence: nonsense.
Genome position (GRCh38, 1-based): chr10:102,834,887, G>T on the plus strand (C>A on the coding strand, the complement: CYP17A1 is on the minus strand). VCF-style: chr10-102834887-G-T. GRCh37 (hg19) VCF-style: chr10-104594644-G-T.
Other names: short protein forms Y188*.
Identifiers: ClinVar variation 2190923 (VCV002190923.4), dbSNP rs760333930, ClinGen allele CA377939949.

ClinVar aggregate classification (germline): Pathogenic (1 of 4 stars; one submission).

gnomAD v4.1: 1 of 1,614,058 alleles (0.000062%); highest among the groups gnomAD compares: Non-Finnish European, 0.000085%; no homozygotes.

Submission:

Labcorp Genetics (formerly Invitae), Labcorp
Classification: Pathogenic. Last evaluated: 2022-07-31. Review status: criteria provided, single submitter. Criteria: Invitae Variant Classification Sherloc (09022015). Collection method: clinical testing. Allele origin: germline.
Comment: For these reasons, this variant has been classified as Pathogenic. This variant has not been reported in the literature in individuals affected with CYP17A1-related conditions. This variant is not present in population databases (gnomAD no frequency). This sequence change creates a premature translational stop signal (p.Tyr188*) in the CYP17A1 gene. It is expected to result in an absent or disrupted protein product. Loss-of-function variants in CYP17A1 are known to be pathogenic (PMID: 17192295, 20197673, 24140098).

Literature cited by the submitters: PubMed 17192295; PubMed 20197673; PubMed 24140098.